The following is an entry in ClinVar:

ClinVar aggregate classification (germline): Pathogenic (1 of 4 stars; one submission).

Conditions:
Asphyxiating thoracic dystrophy 3. Also called: SHORT-RIB THORACIC DYSPLASIA 3 WITH OR WITHOUT POLYDACTYLY; POLYDACTYLY WITH NEONATAL CHONDRODYSTROPHY, TYPE I; SHORT-RIB THORACIC DYSPLASIA 3/6 WITH POLYDACTYLY, DIGENIC; Short rib polydactyly syndrome 2B; Saldino-Noonan Syndrome. Identifiers: Orphanet 474, Orphanet 93269, Orphanet 93270, Orphanet 93271, MedGen C0036069, MONDO:0013127, OMIM 613091.

Submission:

Myriad Genetics, Inc.
Classification: Pathogenic for Asphyxiating thoracic dystrophy 3. Last evaluated: 2025-09-09. Review status: criteria provided, single submitter. Criteria: Myriad Autosomal Dominant, Autosomal Recessive and X-Linked Classification Criteria (2023). Collection method: clinical testing. Allele origin: unknown.
Comment: NM_001377.2(DYNC2H1):c.866C>A(S289*) is expected to be pathogenic in the context of DYNC2H1-related disorders. This variant is predicted to lead to an abnormal or absent protein product due to the creation of a premature termination codon in DYNC2H1, a gene where loss-of-function variants are known to be pathogenic. Please note: this variant was assessed in the context of healthy population screening.

NM_001377.3(DYNC2H1):c.866C>A (p.Ser289Ter)

Gene: DYNC2H1 (dynein cytoplasmic 2 heavy chain 1; plus strand). Cytogenetic location: 11q22.3.
Variant type: single nucleotide variant.
Coding change: c.866C>A on transcript NM_001377.3 (MANE Select); coding-DNA position 866, C replaced by A.
Protein change: p.Ser289Ter; replaces serine 289 with a stop codon.
Molecular consequence: nonsense.
Genome position (GRCh38, 1-based): chr11:103,117,730, C>A. VCF-style: chr11-103117730-C-A. GRCh37 (hg19) VCF-style: chr11-102988459-C-A.
Other names: c.866C>A, p.Ser289Ter (NM_001080463.2); short protein forms S289*.
Identifiers: ClinVar variation 5014954 (VCV005014954.1).